The following is an entry in ClinVar:

NM_000124.4(ERCC6):c.132C>A (p.Tyr44Ter)

Gene: ERCC6 (ERCC excision repair 6, chromatin remodeling factor; minus strand). Cytogenetic location: 10q11.23.
Variant type: single nucleotide variant.
Coding change: c.132C>A on transcript NM_000124.4 (MANE Select); coding-DNA position 132, C replaced by A.
Protein change: p.Tyr44Ter; replaces tyrosine 44 with a stop codon.
Molecular consequence: nonsense.
Genome position (GRCh38, 1-based): chr10:49,532,833, G>T on the plus strand (C>A on the coding strand, the complement: ERCC6 is on the minus strand). VCF-style: chr10-49532833-G-T. GRCh37 (hg19) VCF-style: chr10-50740879-G-T.
Other names: c.132C>A, p.Tyr44Ter (NM_001277058.2, NM_001277059.2, NM_001346440.2); short protein forms Y44*.
Identifiers: ClinVar variation 4735207 (VCV004735207.1).

ClinVar aggregate classification (germline): Pathogenic (1 of 4 stars; one submission).

gnomAD v4.1: 1 of 1,614,014 alleles (0.000062%); highest among the groups gnomAD compares: Non-Finnish European, 0.000085%; no homozygotes.

Submission:

Labcorp Genetics (formerly Invitae), Labcorp
Classification: Pathogenic. Last evaluated: 2026-01-12. Review status: criteria provided, single submitter. Criteria: Invitae Variant Classification Sherloc (09022015). Collection method: clinical testing. Allele origin: germline.
Comment: This sequence change creates a premature translational stop signal (p.Tyr44*) in the ERCC6 gene. It is expected to result in an absent or disrupted protein product. Loss-of-function variants in ERCC6 are known to be pathogenic (PMID: 18628313, 29572252). This variant is not present in population databases (gnomAD no frequency). This variant has not been reported in the literature in individuals affected with ERCC6-related conditions. For these reasons, this variant has been classified as Pathogenic.

Literature cited by the submitters: PubMed 18628313; PubMed 29572252.